The following is an entry in ClinVar:

NM_001429.4(EP300):c.471A>G (p.Pro157=)

Gene: EP300 (EP300 lysine acetyltransferase; plus strand). Cytogenetic location: 22q13.2.
Variant type: single nucleotide variant.
Coding change: c.471A>G on transcript NM_001429.4 (MANE Select); coding-DNA position 471, A replaced by G.
Protein change: p.Pro157=; no amino-acid change (proline 157 retained).
Molecular consequence: synonymous variant.
Genome position (GRCh38, 1-based): chr22:41,117,563, A>G. VCF-style: chr22-41117563-A-G. GRCh37 (hg19) VCF-style: chr22-41513567-A-G.
Other names: c.471A>G, p.Pro157= (NM_001362843.2); c.471A>G (NM_001429.3).
Identifiers: ClinVar variation 597016 (VCV000597016.8), dbSNP rs770598337, ClinGen allele CA10252258.

ClinVar aggregate classification (germline): Conflicting classifications of pathogenicity. Review status: criteria provided, conflicting classifications (1 of 4 stars). 3 submissions from 3 submitters: Uncertain significance (1); Benign (1); Likely benign (1). Last evaluated 2025-05-31.

Conditions:
Rubinstein-Taybi syndrome due to EP300 haploinsufficiency. Also called: EP300-Related Rubinstein-Taybi Syndrome; RUBINSTEIN-TAYBI SYNDROME 2. Identifiers: Orphanet 353284, Orphanet 783, MedGen C3150941, MONDO:0013364, OMIM 613684.
EP300-related disorder. Also called: EP300-related condition; EP300-related disorders.

Allele frequency attached by ClinVar (database versions not stated): gnomAD exomes below 0.00001 and 0.00001; ExAC 0.00001; gnomAD 0.00001; TOPMed 0.00001.
gnomAD v4.1: 17 of 1,614,138 alleles (0.0011%); highest among the groups gnomAD compares: East Asian, 0.013%; no homozygotes.

Submissions (3):

PreventionGenetics, part of Exact Sciences
Classification: Likely benign for EP300-related condition. Last evaluated: 2025-05-31. Review status: criteria provided, single submitter. Criteria: ACMG Guidelines, 2015. Collection method: clinical testing. Allele origin: germline.
Comment: This variant is classified as likely benign based on ACMG/AMP sequence variant interpretation guidelines (Richards et al. 2015 PMID: 25741868, with internal and published modifications).

Labcorp Genetics (formerly Invitae), Labcorp
Classification: Benign for Rubinstein-Taybi syndrome due to EP300 haploinsufficiency. Last evaluated: 2024-01-18. Review status: criteria provided, single submitter. Criteria: Invitae Variant Classification Sherloc (09022015). Collection method: clinical testing. Allele origin: germline.

Eurofins Ntd Llc (ga)
Classification: Uncertain significance. Last evaluated: 2018-05-14. Review status: criteria provided, single submitter. Criteria: EGL ClinVar v180209 classification definitions. Collection method: clinical testing. Allele origin: germline. Observed: 1 variant allele, 1 heterozygote.